The following is an entry in ClinVar:

NM_001252024.2(TRPM1):c.382G>A (p.Gly128Ser)

Gene: TRPM1 (transient receptor potential cation channel subfamily M member 1; minus strand). Cytogenetic location: 15q13.3.
Variant type: single nucleotide variant.
Coding change: c.382G>A on transcript NM_001252024.2 (MANE Select); coding-DNA position 382, G replaced by A.
Protein change: p.Gly128Ser; replaces glycine 128 with serine.
Molecular consequence: missense variant.
Genome position (GRCh38, 1-based): chr15:31,067,990, C>T on the plus strand (G>A on the coding strand, the complement: TRPM1 is on the minus strand). VCF-style: chr15-31067990-C-T. GRCh37 (hg19) VCF-style: chr15-31360193-C-T.
Other names: c.433G>A, p.Gly145Ser (NM_001252020.2); c.316G>A, p.Gly106Ser (NM_002420.6); short protein forms G106S, G128S, G145S.
Identifiers: ClinVar variation 1936291 (VCV001936291.2), dbSNP rs1442947519, ClinGen allele CA391534732.

ClinVar aggregate classification (germline): Uncertain significance (1 of 4 stars; one submission).

Allele frequency attached by ClinVar (database versions not stated): TOPMed below 0.00001.
gnomAD v4.1: 2 of 1,614,166 alleles (0.00012%); highest among the groups gnomAD compares: Admixed American, 0.0033%; no homozygotes.

Submission:

Labcorp Genetics (formerly Invitae), Labcorp
Classification: Uncertain significance. Last evaluated: 2022-04-09. Review status: criteria provided, single submitter. Criteria: Invitae Variant Classification Sherloc (09022015). Collection method: clinical testing. Allele origin: germline.
Comment: This sequence change replaces glycine, which is neutral and non-polar, with serine, which is neutral and polar, at codon 106 of the TRPM1 protein (p.Gly106Ser). This variant is present in population databases (no rsID available, gnomAD 0.006%). This variant has not been reported in the literature in individuals affected with TRPM1-related conditions. Algorithms developed to predict the effect of missense changes on protein structure and function (SIFT, PolyPhen-2, Align-GVGD) all suggest that this variant is likely to be disruptive. In summary, the available evidence is currently insufficient to determine the role of this variant in disease. Therefore, it has been classified as a Variant of Uncertain Significance.